The following is an entry in ClinVar:

NM_000489.6(ATRX):c.3030A>G (p.Glu1010=)

Gene: ATRX (ATRX chromatin remodeler; minus strand). Cytogenetic location: Xq21.1.
Variant type: single nucleotide variant.
Coding change: c.3030A>G on transcript NM_000489.6 (MANE Select); coding-DNA position 3030, A replaced by G.
Protein change: p.Glu1010=; no amino-acid change (glutamic acid 1010 retained).
Molecular consequence: synonymous variant.
Genome position (GRCh38, 1-based): chrX:77,682,226, T>C on the plus strand (A>G on the coding strand, the complement: ATRX is on the minus strand). VCF-style: chrX-77682226-T-C. GRCh37 (hg19) VCF-style: chrX-76937718-T-C.
Other names: c.2916A>G, p.Glu972= (NM_138270.5).
Identifiers: ClinVar variation 702484 (VCV000702484.35), dbSNP rs781816426, ClinGen allele CA10458004.

ClinVar aggregate classification (germline): Likely benign. Review status: criteria provided, multiple submitters, no conflicts (2 of 4 stars). 2 submissions from 2 submitters: Likely benign (2). Last evaluated 2025-05-01.

Conditions:
Alpha thalassemia-X-linked intellectual disability syndrome (ATRX). Also called: ATR-X syndrome; Alpha thalassemia mental retardation syndrome, nondeletion type, X-linked; XLMR hypotonic face syndrome; ALPHA-THALASSEMIA/MENTAL RETARDATION SYNDROME, X-LINKED; ATR, NONDELETION TYPE; X-linked alpha-thalassemia-mental retardation syndrome. Identifiers: Orphanet 847, MedGen C1845055, MONDO:0010519, OMIM 301040.

Allele frequency attached by ClinVar (database versions not stated): ExAC 0.00002; gnomAD 0.00001; gnomAD exomes 0.00003; TOPMed 0.00003.
gnomAD v4.1: 39 of 1,208,119 alleles (0.0032%); highest among the groups gnomAD compares: Non-Finnish European, 0.0043%; no homozygotes.

Submissions (2):

Labcorp Genetics (formerly Invitae), Labcorp
Classification: Likely benign for Alpha thalassemia-X-linked intellectual disability syndrome. Last evaluated: 2025-05-01. Review status: criteria provided, single submitter. Criteria: Invitae Variant Classification Sherloc (09022015). Collection method: clinical testing. Allele origin: germline.

CeGaT Center for Human Genetics Tuebingen
Classification: Likely benign. Last evaluated: 2022-06-01. Review status: criteria provided, single submitter. Criteria: CeGaT Center For Human Genetics Tuebingen Variant Classification Criteria Version 2. Collection method: clinical testing. Allele origin: germline. Affected: yes. Observed: 1 variant allele.
Comment: ATRX: BP4, BP7